The following is an entry in ClinVar:

ClinVar aggregate classification (germline): Uncertain significance. Review status: criteria provided, multiple submitters, no conflicts (2 of 4 stars). 2 submissions from 2 submitters: Uncertain significance (2). Last evaluated 2022-02-05.

Conditions:
Intellectual developmental disorder, autosomal dominant 1. Also called: Intellectual disability, autosomal dominant 1; MBD5 Haploinsufficiency. Identifiers: Orphanet 228402, MedGen C1969562, MONDO:0007974, OMIM 156200.
Intellectual disability, autosomal dominant. Identifiers: MedGen CN240835, MONDO:0100172.

Allele frequency attached by ClinVar (database versions not stated): gnomAD exomes below 0.00001; TOPMed 0.00001; gnomAD 0.00001.
gnomAD v4.1: 4 of 1,612,284 alleles (0.00025%); highest among the groups gnomAD compares: East Asian, 0.0089%; no homozygotes.

Submissions (2):

Labcorp Genetics (formerly Invitae), Labcorp
Classification: Uncertain significance for Intellectual developmental disorder, autosomal dominant 1. Last evaluated: 2022-02-05. Review status: criteria provided, single submitter. Criteria: Invitae Variant Classification Sherloc (09022015). Collection method: clinical testing. Allele origin: germline.
Comment: ClinVar contains an entry for this variant (Variation ID: 943776). This variant has not been reported in the literature in individuals affected with MBD5-related conditions. This variant is not present in population databases (gnomAD no frequency). This sequence change replaces leucine, which is neutral and non-polar, with isoleucine, which is neutral and non-polar, at codon 35 of the MBD5 protein (p.Leu35Ile). Algorithms developed to predict the effect of missense changes on protein structure and function are either unavailable or do not agree on the potential impact of this missense change (SIFT: "Tolerated"; PolyPhen-2: "Possibly Damaging"; Align-GVGD: "Class C0"). In summary, the available evidence is currently insufficient to determine the role of this variant in disease. Therefore, it has been classified as a Variant of Uncertain Significance.

Victorian Clinical Genetics Services, Murdoch Childrens Research Institute
Classification: Uncertain significance for Intellectual disability, autosomal dominant. Last evaluated: 2021-05-06. Review status: criteria provided, single submitter. Criteria: ACMG Guidelines, 2015. Collection method: clinical testing. Allele origin: germline. Inheritance: Autosomal dominant inheritance. Affected: yes.
Comment: Based on the classification scheme VCGS_Germline_v1.3.4, this variant is classified as VUS-3B. Following criteria are met: 0102 - Loss of function is a known mechanism of disease in this gene and is associated with intellectual disability (MIM#156200). (I) 0107 - This gene is associated with autosomal dominant disease. (I) 0115 - Variants in this gene are known to have variable expressivity (GeneReview). (I) 0200 - Variant is predicted to result in a missense amino acid change from leucine to isoleucine. (I) 0251 - This variant is heterozygous. (I) 0302 - Variant is present in gnomAD (v3) <0.001 for a dominant condition (1 heterozygote, 0 homozygotes). (SP) 0503 - Missense variant consistently predicted to be tolerated by multiple in silico tools or not conserved in placental mammals with a minor amino acid change. (SB) 0600 - Variant is located in the annotated MBD domain (NCBI). (I) 0710 - Another missense variant comparable to the one identified in this case has inconclusive previous evidence for pathogenicity.This alternative change to a phenylalanine has been reported once as a VUS (ClinVar). (I) 0809 - Previous evidence of pathogenicity for this variant is inconclusive. This variant has previously been described as a variant of uncertain significance once (ClinVar). (I) 0905 - No published segregation evidence has been identified for this variant. (I) 1007 - No published functional evidence has been identified for this variant. (I) 1208 - Inheritance information for this variant is not currently available in this individual. (I) Legend: (SP) - Supporting pathogenic, (I) - Information, (SB) - Supporting benign

NM_001378120.1(MBD5):c.103C>A (p.Leu35Ile)

Gene: MBD5 (methyl-CpG binding domain protein 5; plus strand). Cytogenetic location: 2q23.1.
Variant type: single nucleotide variant.
Coding change: c.103C>A on transcript NM_001378120.1 (MANE Select); coding-DNA position 103, C replaced by A.
Protein change: p.Leu35Ile; replaces leucine 35 with isoleucine.
Molecular consequence: missense variant.
Genome position (GRCh38, 1-based): chr2:148,458,861, C>A. VCF-style: chr2-148458861-C-A. GRCh37 (hg19) VCF-style: chr2-149216430-C-A.
Other names: c.103C>A, p.Leu35Ile (NM_018328.5); short protein forms L35I.
Identifiers: ClinVar variation 943776 (VCV000943776.12), dbSNP rs1201462027, ClinGen allele CA348715690.